The following is an entry in ClinVar:

NM_000038.6(APC):c.7770del (p.Lys2590fs)

Gene: APC (APC regulator of Wnt signaling pathway; plus strand). Cytogenetic location: 5q22.2.
Variant type: Deletion.
Coding change: c.7770del on transcript NM_000038.6 (MANE Select); coding-DNA position 7770, one base deleted (A; older notation c.7770delA).
Protein change: p.Lys2590fs; shifts the reading frame from lysine 2590.
Molecular consequence: frameshift variant. On other transcripts: non-coding transcript variant (2).
Genome position (GRCh38, 1-based): chr5:112,843,364, A deleted; the last of 5 consecutive A bases (chr5:112,843,360-112,843,364); deleting any one gives the same sequence. VCF-style (leftmost placement, unchanged base first): chr5-112843359-GA-G. GRCh37 (hg19) VCF-style: chr5-112179056-GA-G.
Other names: c.7824del, p.Lys2608fs (NM_001354896.2, NM_001407447.1, NM_001407448.1 and 1 more transcripts); c.7800del, p.Lys2600fs (NM_001354897.2); c.7695del, p.Lys2565fs (NM_001354898.2); c.7686del, p.Lys2562fs (NM_001354899.2); c.7647del, p.Lys2549fs (NM_001354900.2); c.7593del, p.Lys2531fs (NM_001354901.2, NM_001407453.1); c.7497del, p.Lys2499fs (NM_001354902.2); c.7467del, p.Lys2489fs (NM_001354903.2, NM_001407458.1, NM_001407459.1 and 1 more transcripts); and 11 more; short protein forms K2430fs, K2549fs, K2562fs, K2572fs, K2580fs, K2206fs, K2464fs, K2499fs.
Identifiers: ClinVar variation 4119362 (VCV004119362.1).

ClinVar aggregate classification (germline): Likely pathogenic (1 of 4 stars; one submission).

Conditions:
Hereditary cancer-predisposing syndrome. Also called: Hereditary neoplastic syndrome; Neoplastic Syndromes, Hereditary; Tumor predisposition; Hereditary Cancer Syndrome. Identifiers: Orphanet 140162, MedGen C0027672, MeSH D009386, MONDO:0015356.

Submission:

Ambry Genetics
Classification: Likely pathogenic for Hereditary cancer-predisposing syndrome. Last evaluated: 2025-07-31. Review status: criteria provided, single submitter. Criteria: Ambry Variant Classification Scheme 2023. Collection method: clinical testing. Allele origin: germline.
Comment: The c.7770delA variant, located in coding exon 15 of the APC gene, results from a deletion of one nucleotide at nucleotide position 7770, causing a translational frameshift with a predicted alternate stop codon (p.K2590Nfs*3). This alteration occurs at the 3' terminus of theAPC gene, is not expected to trigger nonsense-mediated mRNA decay, and impacts the last 9% of the protein. However, premature stop codons are typically deleterious in nature and a significant portion of the protein is affected (Ambry internal data). This variant was reported in individual(s) with features consistent with APC-related familial adenomatous polyposis or attenuated familial adenomatous polyposis (Ambry internal data). This variant is considered to be rare based on population cohorts in the Genome Aggregation Database (gnomAD). Based on the majority of available evidence to date, this variant is likely to be pathogenic.